The following is an entry in ClinVar:

ClinVar aggregate classification (germline): Uncertain significance (1 of 4 stars; one submission).

gnomAD v4.1: 4 of 1,613,998 alleles (0.00025%); highest among the groups gnomAD compares: Non-Finnish European, 0.00025%; no homozygotes.

Submission:

Labcorp Genetics (formerly Invitae), Labcorp
Classification: Uncertain significance. Last evaluated: 2024-05-14. Review status: criteria provided, single submitter. Criteria: Invitae Variant Classification Sherloc (09022015). Collection method: clinical testing. Allele origin: germline.
Comment: This sequence change replaces glutamic acid, which is acidic and polar, with lysine, which is basic and polar, at codon 1331 of the KIDINS220 protein (p.Glu1331Lys). This variant is not present in population databases (gnomAD no frequency). This variant has not been reported in the literature in individuals affected with KIDINS220-related conditions. An algorithm developed to predict the effect of missense changes on protein structure and function (PolyPhen-2) suggests that this variant is likely to be disruptive. In summary, the available evidence is currently insufficient to determine the role of this variant in disease. Therefore, it has been classified as a Variant of Uncertain Significance.

NM_020738.4(KIDINS220):c.3991G>A (p.Glu1331Lys)

Gene: KIDINS220 (kinase D interacting substrate 220; minus strand). Cytogenetic location: 2p25.1.
Variant type: single nucleotide variant.
Coding change: c.3991G>A on transcript NM_020738.4 (MANE Select); coding-DNA position 3991, G replaced by A.
Protein change: p.Glu1331Lys; replaces glutamic acid 1331 with lysine.
Molecular consequence: missense variant. On other transcripts: non-coding transcript variant (2).
Genome position (GRCh38, 1-based): chr2:8,733,506, C>T on the plus strand (G>A on the coding strand, the complement: KIDINS220 is on the minus strand). VCF-style: chr2-8733506-C-T. GRCh37 (hg19) VCF-style: chr2-8873636-C-T.
Other names: c.3994G>A, p.Glu1332Lys (NM_001348729.2); c.3937G>A, p.Glu1313Lys (NM_001348731.2); c.3934G>A, p.Glu1312Lys (NM_001348732.2, NM_001348738.2); c.3823G>A, p.Glu1275Lys (NM_001348734.2, NM_001348739.2, NM_001348740.2); c.3820G>A, p.Glu1274Lys (NM_001348735.2, NM_001348741.2, NM_001348742.2 and 1 more transcripts); c.3694G>A, p.Glu1232Lys (NM_001348736.2); short protein forms E1232K, E1332K, E1331K, E1274K, E1313K, E1275K, E1312K.
Identifiers: ClinVar variation 3653296 (VCV003653296.2).